The following is an entry in ClinVar:

ClinVar aggregate classification (germline): Uncertain significance. Review status: criteria provided, multiple submitters, no conflicts (2 of 4 stars). 3 submissions from 3 submitters: Uncertain significance (3). Last evaluated 2024-02-18.

Conditions:
Cardiomyopathy (CMYO). Also called: Cardiomyopathies. Identifiers: Orphanet 167848, MedGen C0878544, MONDO:0004994, HP:0001638. Inheritance: Various modes of inheritance.
Hypertrophic cardiomyopathy. Also called: HYPERTROPHIC MYOCARDIOPATHY. Identifiers: Orphanet 217569, MedGen C0007194, MeSH D002312, MONDO:0005045, HP:0001639.
Cardiovascular phenotype. Identifiers: MedGen CN230736.

Allele frequency attached by ClinVar (database versions not stated): TOPMed below 0.00001.

Submissions (3):

Color Diagnostics, LLC DBA Color Health
Classification: Uncertain significance for Cardiomyopathy. Last evaluated: 2024-02-18. Review status: criteria provided, single submitter. Criteria: ACMG Guidelines, 2015. Collection method: clinical testing. Allele origin: germline.
Comment: This missense variant replaces isoleucine with valine at codon 647 of the MYBPC3 protein. Computational prediction suggests that this variant may not impact protein structure and function (internally defined REVEL score threshold <= 0.5, PMID: 27666373). To our knowledge, functional studies have not been reported for this variant. This variant has not been reported in individuals affected with MYBPC3-related disorders in the literature. This variant has not been identified in the general population by the Genome Aggregation Database (gnomAD). The available evidence is insufficient to determine the role of this variant in disease conclusively. Therefore, this variant is classified as a Variant of Uncertain Significance.

Ambry Genetics
Classification: Uncertain significance for Cardiovascular phenotype. Last evaluated: 2023-02-19. Review status: criteria provided, single submitter. Criteria: Ambry Variant Classification Scheme 2023. Collection method: clinical testing. Allele origin: germline.
Comment: The p.I647V variant (also known as c.1939A>G), located in coding exon 21 of the MYBPC3 gene, results from an A to G substitution at nucleotide position 1939. The isoleucine at codon 647 is replaced by valine, an amino acid with highly similar properties. This amino acid position is conserved. In addition, this alteration is predicted to be tolerated by in silico analysis. Since supporting evidence is limited at this time, the clinical significance of this alteration remains unclear.

Labcorp Genetics (formerly Invitae), Labcorp
Classification: Uncertain significance for Hypertrophic cardiomyopathy. Last evaluated: 2022-05-22. Review status: criteria provided, single submitter. Criteria: Invitae Variant Classification Sherloc (09022015). Collection method: clinical testing. Allele origin: germline.
Comment: In summary, the available evidence is currently insufficient to determine the role of this variant in disease. Therefore, it has been classified as a Variant of Uncertain Significance. Algorithms developed to predict the effect of missense changes on protein structure and function (SIFT, PolyPhen-2, Align-GVGD) all suggest that this variant is likely to be disruptive. ClinVar contains an entry for this variant (Variation ID: 571454). This variant has not been reported in the literature in individuals affected with MYBPC3-related conditions. This variant is not present in population databases (gnomAD no frequency). This sequence change replaces isoleucine, which is neutral and non-polar, with valine, which is neutral and non-polar, at codon 647 of the MYBPC3 protein (p.Ile647Val).

NM_000256.3(MYBPC3):c.1939A>G (p.Ile647Val)

Gene: MYBPC3 (myosin binding protein C3; minus strand). Cytogenetic location: 11p11.2.
Variant type: single nucleotide variant.
Coding change: c.1939A>G on transcript NM_000256.3 (MANE Select); coding-DNA position 1939, A replaced by G.
Protein change: p.Ile647Val; replaces isoleucine 647 with valine.
Molecular consequence: missense variant.
Genome position (GRCh38, 1-based): chr11:47,339,779, T>C on the plus strand (A>G on the coding strand, the complement: MYBPC3 is on the minus strand). VCF-style: chr11-47339779-T-C. GRCh37 (hg19) VCF-style: chr11-47361330-T-C.
Other names: c.1939A>G, p.Ile647Val (LRG_386t1); short protein forms I647V.
Identifiers: ClinVar variation 571454 (VCV000571454.11), dbSNP rs1565626472, ClinGen allele CA380322034.